The following is an entry in ClinVar:

NM_001367799.1(ZSWIM8):c.3975C>T (p.Ser1325=)

Genes: ZSWIM8-AS1 (ZSWIM8 antisense RNA 1; minus strand), NDST2-ZSWIM8-AS1 (NDST2-ZSWIM8-AS1 readthrough; minus strand), ZSWIM8 (zinc finger SWIM-type containing 8; plus strand). Cytogenetic location: 10q22.2.
Variant type: single nucleotide variant.
Coding change: c.3975C>T on transcript NM_001367799.1 (MANE Select); coding-DNA position 3975, C replaced by T.
Protein change: p.Ser1325=; no amino-acid change (serine 1325 retained).
Molecular consequence: synonymous variant. On other transcripts: non-coding transcript variant (2).
Genome position (GRCh38, 1-based): chr10:73,798,252, C>T. VCF-style: chr10-73798252-C-T. GRCh37 (hg19) VCF-style: chr10-75558010-C-T.
Other names: c.3960C>T, p.Ser1320= (NM_001242487.2, NM_001242488.2); c.3975C>T, p.Ser1325= (NM_015037.4).
Identifiers: ClinVar variation 2640590 (VCV002640590.24), dbSNP rs192587413, ClinGen allele CA5560421.

ClinVar aggregate classification (germline): Likely benign (1 of 4 stars; one submission).

Allele frequency attached by ClinVar (database versions not stated): gnomAD exomes 0.00012; ExAC 0.00020; gnomAD 0.00021; ESP Exome Variant Server 0.00024; TOPMed 0.00024; 1000 Genomes Project 0.00040; 1000 Genomes Project 30x 0.00062.
gnomAD v4.1: 209 of 1,614,038 alleles (0.013%); highest among the groups gnomAD compares: Admixed American, 0.055%; no homozygotes.

Submission:

CeGaT Center for Human Genetics Tuebingen
Classification: Likely benign. Last evaluated: 2022-03-01. Review status: criteria provided, single submitter. Criteria: CeGaT Center For Human Genetics Tuebingen Variant Classification Criteria Version 2. Collection method: clinical testing. Allele origin: germline. Affected: yes. Observed: 1 variant allele.
Comment: ZSWIM8: BP4, BP7